The following is an entry in ClinVar:

NM_017827.4(SARS2):c.393+151T>G

Gene: SARS2 (seryl-tRNA synthetase 2, mitochondrial; minus strand). Cytogenetic location: 19q13.2.
Variant type: single nucleotide variant.
Coding change: c.393+151T>G on transcript NM_017827.4 (MANE Select); 151 bases into the intron after coding-DNA position 393, T replaced by G.
Molecular consequence: intron variant.
Genome position (GRCh38, 1-based): chr19:38,922,087, A>C on the plus strand (T>G on the coding strand, the complement: SARS2 is on the minus strand). VCF-style: chr19-38922087-A-C. GRCh37 (hg19) VCF-style: chr19-39412727-A-C.
Other names: c.394-9T>G (NM_001145901.2).
Identifiers: ClinVar variation 4985743 (VCV004985743.1).
Genomic context (GRCh38, chr19:38,922,087, plus strand): 5'-ATGGGAGGAACGTAGGACCAAATATGGAGCCAGCACCTGGATCCAGCCGCACCTGAAGCC[A>C]GTTTTAGTTTCATGCATCAATAGAGCCTATTTTTTTTTTCCCCTTAAACCTGTTTGAGTT-3'

ClinVar aggregate classification (germline): Likely benign (1 of 4 stars; one submission).

Conditions:
SARS2-related disorder. Also called: SARS2-related condition.

gnomAD v4.1: 17 of 1,598,930 alleles (0.0011%); highest among the groups gnomAD compares: Non-Finnish European, 0.0014%; no homozygotes.

Submission:

PreventionGenetics, part of Exact Sciences
Classification: Likely benign for SARS2-related condition. Last evaluated: 2025-05-05. Review status: criteria provided, single submitter. Criteria: ACMG Guidelines, 2015. Collection method: clinical testing. Allele origin: germline.
Comment: This variant is classified as likely benign based on ACMG/AMP sequence variant interpretation guidelines (Richards et al. 2015 PMID: 25741868, with internal and published modifications).